The following is an entry in ClinVar:

NM_000083.3(CLCN1):c.988A>G (p.Thr330Ala)

Gene: CLCN1 (chloride voltage-gated channel 1; plus strand). Cytogenetic location: 7q34.
Variant type: single nucleotide variant.
Coding change: c.988A>G on transcript NM_000083.3 (MANE Select); coding-DNA position 988, A replaced by G.
Protein change: p.Thr330Ala; replaces threonine 330 with alanine.
Molecular consequence: missense variant. On other transcripts: non-coding transcript variant (1).
Genome position (GRCh38, 1-based): chr7:143,331,240, A>G. VCF-style: chr7-143331240-A-G. GRCh37 (hg19) VCF-style: chr7-143028333-A-G.
Other names: short protein forms T330A.
Identifiers: ClinVar variation 4789704 (VCV004789704.1).

ClinVar aggregate classification (germline): Uncertain significance (1 of 4 stars; one submission).

Conditions:
Congenital myotonia, autosomal dominant form (THD). Also called: THOMSEN DISEASE; Myotonia congenita autosomal dominant. Identifiers: Orphanet 614, MedGen C2936781, MONDO:0008055, OMIM 160800.
Congenital myotonia, autosomal recessive form. Also called: BECKER DISEASE; Becker Generalized Myotonia; myotonia congenita, autosomal recessive. Identifiers: Orphanet 614, MedGen C0751360, MONDO:0009715, OMIM 255700.

gnomAD v4.1: 1 of 1,610,422 alleles (0.000062%); highest among the groups gnomAD compares: Non-Finnish European, 0.000085%; no homozygotes.

Submission:

Labcorp Genetics (formerly Invitae), Labcorp
Classification: Uncertain significance for Congenital myotonia, autosomal recessive form; Congenital myotonia, autosomal dominant form. Last evaluated: 2026-01-18. Review status: criteria provided, single submitter. Criteria: Invitae Variant Classification Sherloc (09022015). Collection method: clinical testing. Allele origin: germline.
Comment: This sequence change replaces threonine, which is neutral and polar, with alanine, which is neutral and non-polar, at codon 330 of the CLCN1 protein (p.Thr330Ala). This variant is not present in population databases (gnomAD no frequency). This variant has not been reported in the literature in individuals affected with CLCN1-related conditions. Invitae Evidence Modeling of protein sequence and biophysical properties (such as structural, functional, and spatial information, amino acid conservation, physicochemical variation, residue mobility, and thermodynamic stability) indicates that this missense variant is expected to disrupt CLCN1 protein function with a positive predictive value of 95%. In summary, the available evidence is currently insufficient to determine the role of this variant in disease. Therefore, it has been classified as a Variant of Uncertain Significance.